The following is an entry in ClinVar:

NM_199420.4(POLQ):c.261T>A (p.Phe87Leu)

Gene: POLQ (DNA polymerase theta; minus strand). Cytogenetic location: 3q13.33.
Variant type: single nucleotide variant.
Coding change: c.261T>A on transcript NM_199420.4 (MANE Select); coding-DNA position 261, T replaced by A.
Protein change: p.Phe87Leu; replaces phenylalanine 87 with leucine.
Molecular consequence: missense variant.
Genome position (GRCh38, 1-based): chr3:121,544,809, A>T on the plus strand (T>A on the coding strand, the complement: POLQ is on the minus strand). VCF-style: chr3-121544809-A-T. GRCh37 (hg19) VCF-style: chr3-121263656-A-T.
Other names: short protein forms F87L.
Identifiers: ClinVar variation 1793931 (VCV001793931.3), dbSNP rs1365766780, ClinGen allele CA354094557.

ClinVar aggregate classification (germline): Uncertain significance (1 of 4 stars; one submission).

Allele frequency attached by ClinVar (database versions not stated): gnomAD exomes 0.00001; TOPMed 0.00002.
gnomAD v4.1: 10 of 1,612,956 alleles (0.00062%); highest among the groups gnomAD compares: Non-Finnish European, 0.00085%; no homozygotes.

Submission:

Ambry Genetics
Classification: Uncertain significance. Last evaluated: 2023-08-28. Review status: criteria provided, single submitter. Criteria: Ambry Variant Classification Scheme 2023. Collection method: clinical testing. Allele origin: germline.
Comment: The p.F87L variant (also known as c.261T>A), located in coding exon 2 of the POLQ gene, results from a T to A substitution at nucleotide position 261. The phenylalanine at codon 87 is replaced by leucine, an amino acid with highly similar properties. This amino acid position is conserved. In addition, this alteration is predicted to be tolerated by in silico analysis. Since supporting evidence is limited at this time, the clinical significance of this alteration remains unclear.